The following is an entry in ClinVar:

ClinVar aggregate classification (germline): Uncertain significance (1 of 4 stars; one submission).

Conditions:
Developmental and epileptic encephalopathy, 23 (DEE23). Also called: Epileptic encephalopathy, early infantile, 23. Identifiers: Orphanet 411986, MedGen C4014492, MONDO:0014371, OMIM 615859.

Submission:

Labcorp Genetics (formerly Invitae), Labcorp
Classification: Uncertain significance for Developmental and epileptic encephalopathy, 23. Last evaluated: 2022-09-19. Review status: criteria provided, single submitter. Criteria: Invitae Variant Classification Sherloc (09022015). Collection method: clinical testing. Allele origin: germline.
Comment: In summary, the available evidence is currently insufficient to determine the role of this variant in disease. Therefore, it has been classified as a Variant of Uncertain Significance. Advanced modeling of protein sequence and biophysical properties (such as structural, functional, and spatial information, amino acid conservation, physicochemical variation, residue mobility, and thermodynamic stability) performed at Invitae indicates that this missense variant is expected to disrupt DOCK7 protein function. ClinVar contains an entry for this variant (Variation ID: 1465924). This variant has not been reported in the literature in individuals affected with DOCK7-related conditions. This variant is not present in population databases (gnomAD no frequency). This sequence change replaces isoleucine, which is neutral and non-polar, with phenylalanine, which is neutral and non-polar, at codon 1902 of the DOCK7 protein (p.Ile1902Phe).

NM_001367561.1(DOCK7):c.5737A>T (p.Ile1913Phe)

Gene: DOCK7 (dedicator of cytokinesis 7; minus strand). Cytogenetic location: 1p31.3.
Variant type: single nucleotide variant.
Coding change: c.5737A>T on transcript NM_001367561.1 (MANE Select); coding-DNA position 5737, A replaced by T.
Protein change: p.Ile1913Phe; replaces isoleucine 1913 with phenylalanine.
Molecular consequence: missense variant.
Genome position (GRCh38, 1-based): chr1:62,475,931, T>A on the plus strand (A>T on the coding strand, the complement: DOCK7 is on the minus strand). VCF-style: chr1-62475931-T-A. GRCh37 (hg19) VCF-style: chr1-62941602-T-A.
Other names: c.5704A>T, p.Ile1902Phe (NM_001271999.2); c.5617A>T, p.Ile1873Phe (NM_001272000.2); c.5611A>T, p.Ile1871Phe (NM_001272001.2); c.5710A>T, p.Ile1904Phe (NM_001330614.2); c.5644A>T, p.Ile1882Phe (NM_033407.4); short protein forms I1871F, I1873F, I1882F, I1902F, I1904F, I1913F.
Identifiers: ClinVar variation 1465924 (VCV001465924.8), dbSNP rs2149259902, ClinGen allele CA340604171.